The following is an entry in ClinVar:

ClinVar aggregate classification (germline): Likely benign. Review status: criteria provided, multiple submitters, no conflicts (2 of 4 stars). 2 submissions from 2 submitters: Likely benign (2). Last evaluated 2024-06-07.

Allele frequency attached by ClinVar (database versions not stated): TOPMed below 0.00001; gnomAD 0.00004; gnomAD exomes 0.00008; ExAC 0.00014; 1000 Genomes Project 30x 0.00021.
gnomAD v4.1: 88 of 1,209,121 alleles (0.0073%); highest among the groups gnomAD compares: South Asian, 0.14%; no homozygotes.

Submissions (2):

Blueprint Genetics
Classification: Likely benign. Last evaluated: 2024-06-07. Review status: criteria provided, single submitter. Criteria: ACMG Guidelines, 2015. Collection method: clinical testing. Allele origin: germline.

CeGaT Center for Human Genetics Tuebingen
Classification: Likely benign. Last evaluated: 2022-07-01. Review status: criteria provided, single submitter. Criteria: CeGaT Center For Human Genetics Tuebingen Variant Classification Criteria Version 2. Collection method: clinical testing. Allele origin: germline. Affected: yes. Observed: 1 variant allele.
Comment: ARR3: BP4, BP7

NM_004312.3(ARR3):c.972G>C (p.Leu324=)

Gene: ARR3 (arrestin 3; plus strand). Cytogenetic location: Xq13.1.
Variant type: single nucleotide variant.
Coding change: c.972G>C on transcript NM_004312.3 (MANE Select); coding-DNA position 972, G replaced by C.
Protein change: p.Leu324=; no amino-acid change (leucine 324 retained).
Molecular consequence: synonymous variant.
Genome position (GRCh38, 1-based): chrX:70,280,261, G>C. VCF-style: chrX-70280261-G-C. GRCh37 (hg19) VCF-style: chrX-69500111-G-C.
Identifiers: ClinVar variation 2660810 (VCV002660810.25), dbSNP rs763437937, ClinGen allele CA10440515.
Genomic context (GRCh38, chrX:70,280,261, plus strand): 5'-ACCGGGAATGGACAAAGAGCTGCTGGGGATCCTGGTGTCCTACAAAGTCAGAGTCAACCT[G>C]ATGGTGTCCTGTGGTGGGTAAGTGAGGGTTCTGGGTCTGTCTGGGCAGGGGCTGAAGAGT-3'
Protein context (NP_004303.2, residues 314-334): ILVSYKVRVN[Leu324=]MVSCGGILGD